The following is an entry in ClinVar:

NM_001190274.2(FBXO11):c.826C>T (p.Leu276Phe)

Gene: FBXO11 (F-box protein 11; minus strand). Cytogenetic location: 2p16.3.
Variant type: single nucleotide variant.
Coding change: c.826C>T on transcript NM_001190274.2 (MANE Select); coding-DNA position 826, C replaced by T.
Protein change: p.Leu276Phe; replaces leucine 276 with phenylalanine.
Molecular consequence: missense variant.
Genome position (GRCh38, 1-based): chr2:47,834,687, G>A on the plus strand (C>T on the coding strand, the complement: FBXO11 is on the minus strand). VCF-style: chr2-47834687-G-A. GRCh37 (hg19) VCF-style: chr2-48061826-G-A.
Other names: c.574C>T, p.Leu192Phe (NM_001374325.1, NM_025133.4); short protein forms L192F, L276F.
Identifiers: ClinVar variation 1377845 (VCV001377845.6), dbSNP rs2104823565, ClinGen allele CA346811855.

ClinVar aggregate classification (germline): Uncertain significance (1 of 4 stars; one submission).

Allele frequency attached by ClinVar (database versions not stated): gnomAD exomes below 0.00001.
gnomAD v4.1: 1 of 1,611,882 alleles (0.000062%); highest among the groups gnomAD compares: Non-Finnish European, 0.000085%; no homozygotes.

Submission:

Labcorp Genetics (formerly Invitae), Labcorp
Classification: Uncertain significance. Last evaluated: 2021-08-27. Review status: criteria provided, single submitter. Criteria: Invitae Variant Classification Sherloc (09022015). Collection method: clinical testing. Allele origin: germline.
Comment: Algorithms developed to predict the effect of missense changes on protein structure and function are either unavailable or do not agree on the potential impact of this missense change (SIFT: "Tolerated"; PolyPhen-2: "Possibly Damaging"; Align-GVGD: "Class C0"). In summary, the available evidence is currently insufficient to determine the role of this variant in disease. Therefore, it has been classified as a Variant of Uncertain Significance. This variant has not been reported in the literature in individuals affected with FBXO11-related conditions. This sequence change replaces leucine with phenylalanine at codon 276 of the FBXO11 protein (p.Leu276Phe). The leucine residue is highly conserved and there is a small physicochemical difference between leucine and phenylalanine. This variant is not present in population databases (ExAC no frequency).